The following is an entry in ClinVar:

NM_001330078.2(NRXN1):c.4132A>G (p.Thr1378Ala)

Gene: NRXN1 (neurexin 1; minus strand). Cytogenetic location: 2p16.3.
Variant type: single nucleotide variant.
Coding change: c.4132A>G on transcript NM_001330078.2 (MANE Select); coding-DNA position 4132, A replaced by G.
Protein change: p.Thr1378Ala; replaces threonine 1378 with alanine.
Molecular consequence: missense variant.
Genome position (GRCh38, 1-based): chr2:49,943,788, T>C on the plus strand (A>G on the coding strand, the complement: NRXN1 is on the minus strand). VCF-style: chr2-49943788-T-C. GRCh37 (hg19) VCF-style: chr2-50170926-T-C.
Other names: c.4252A>G, p.Thr1418Ala (NM_001135659.3); c.37A>G, p.Thr13Ala (NM_001320156.4, NM_001320157.4); c.4108A>G, p.Thr1370Ala (NM_001330077.2, NM_001330082.2); c.3976A>G, p.Thr1326Ala (NM_001330083.2); c.4066A>G, p.Thr1356Ala (NM_001330084.2); c.4105A>G, p.Thr1369Ala (NM_001330085.2); c.4132A>G, p.Thr1378Ala (NM_001330086.2); c.3931A>G, p.Thr1311Ala (NM_001330087.2, NM_001330096.2); and 7 more; short protein forms T1321A, T1356A, T1378A, T1418A, T1311A, T1326A, T1331A, T1369A.
Identifiers: ClinVar variation 2236322 (VCV002236322.2), dbSNP rs2465936395, ClinGen allele CA346818125.

ClinVar aggregate classification (germline): Uncertain significance (1 of 4 stars; one submission).

Conditions:
Inborn genetic diseases. Identifiers: MedGen C0950123, MeSH D030342.

Allele frequency attached by ClinVar (database versions not stated): gnomAD exomes below 0.00001.
gnomAD v4.1: 1 of 1,608,638 alleles (0.000062%); highest among the groups gnomAD compares: Non-Finnish European, 0.000085%; no homozygotes.

Submission:

Ambry Genetics
Classification: Uncertain significance for Inborn genetic diseases. Last evaluated: 2021-08-10. Review status: criteria provided, single submitter. Criteria: Ambry Variant Classification Scheme 2023. Collection method: clinical testing. Allele origin: germline.
Comment: The c.4252A>G (p.T1418A) alteration is located in exon 23 (coding exon 22) of the NRXN1 gene. This alteration results from an A to G substitution at nucleotide position 4252, causing the threonine (T) at amino acid position 1418 to be replaced by an alanine (A). This variant was not reported in population-based cohorts in the Genome Aggregation Database (gnomAD). This amino acid position is highly conserved in available vertebrate species. The in silico prediction for this alteration is inconclusive. Based on insufficient or conflicting evidence, the clinical significance of this alteration remains unclear.